The following is an entry in ClinVar:

NM_206937.2(LIG4):c.2592A>G (p.Ile864Met)

Gene: LIG4 (DNA ligase 4; minus strand). Cytogenetic location: 13q33.3.
Variant type: single nucleotide variant.
Coding change: c.2592A>G on transcript NM_206937.2 (MANE Select); coding-DNA position 2592, A replaced by G.
Protein change: p.Ile864Met; replaces isoleucine 864 with methionine.
Molecular consequence: missense variant.
Genome position (GRCh38, 1-based): chr13:108,208,677, T>C on the plus strand (A>G on the coding strand, the complement: LIG4 is on the minus strand). VCF-style: chr13-108208677-T-C. GRCh37 (hg19) VCF-style: chr13-108861025-T-C.
Other names: c.2592A>G, p.Ile864Met (NM_001098268.2, NM_001352598.2, NM_001352599.2 and 6 more transcripts); c.2391A>G, p.Ile797Met (NM_001330595.2); c.2628A>G, p.Ile876Met (NM_001352604.2); short protein forms I797M, I864M, I876M.
Identifiers: ClinVar variation 1462728 (VCV001462728.8), dbSNP rs2138966110, ClinGen allele CA388610687.

ClinVar aggregate classification (germline): Uncertain significance (1 of 4 stars; one submission).

Conditions:
DNA ligase IV deficiency. Identifiers: Orphanet 99812, MedGen C1847827, MONDO:0011686, OMIM 606593.

Allele frequency attached by ClinVar (database versions not stated): gnomAD exomes below 0.00001.
gnomAD v4.1: 1 of 1,614,116 alleles (0.000062%); highest among the groups gnomAD compares: South Asian, 0.0011%; no homozygotes.

Submission:

Labcorp Genetics (formerly Invitae), Labcorp
Classification: Uncertain significance for DNA ligase IV deficiency. Last evaluated: 2022-01-07. Review status: criteria provided, single submitter. Criteria: Invitae Variant Classification Sherloc (09022015). Collection method: clinical testing. Allele origin: germline.
Comment: In summary, the available evidence is currently insufficient to determine the role of this variant in disease. Therefore, it has been classified as a Variant of Uncertain Significance. Algorithms developed to predict the effect of missense changes on protein structure and function (SIFT, PolyPhen-2, Align-GVGD) all suggest that this variant is likely to be tolerated. This variant has not been reported in the literature in individuals affected with LIG4-related conditions. This variant is not present in population databases (gnomAD no frequency). This sequence change replaces isoleucine, which is neutral and non-polar, with methionine, which is neutral and non-polar, at codon 864 of the LIG4 protein (p.Ile864Met).